The following is an entry in ClinVar:

ClinVar aggregate classification (germline): Pathogenic (1 of 4 stars; one submission).

Submission:

Labcorp Genetics (formerly Invitae), Labcorp
Classification: Pathogenic. Last evaluated: 2021-04-17. Review status: criteria provided, single submitter. Criteria: Invitae Variant Classification Sherloc (09022015). Collection method: clinical testing. Allele origin: germline.
Comment: For these reasons, this variant has been classified as Pathogenic. This variant has not been reported in the literature in individuals with MYO7A-related conditions. This variant is not present in population databases (ExAC no frequency). This sequence change creates a premature translational stop signal (p.Glu640*) in the MYO7A gene. It is expected to result in an absent or disrupted protein product. Loss-of-function variants in MYO7A are known to be pathogenic (PMID: 8900236, 25404053).

Literature cited by the submitters: PubMed 8900236; PubMed 25404053.

NM_000260.4(MYO7A):c.1918G>T (p.Glu640Ter)

Gene: MYO7A (myosin VIIA; plus strand). Cytogenetic location: 11q13.5.
Variant type: single nucleotide variant.
Coding change: c.1918G>T on transcript NM_000260.4 (MANE Select); coding-DNA position 1918, G replaced by T.
Protein change: p.Glu640Ter; replaces glutamic acid 640 with a stop codon.
Molecular consequence: nonsense.
Genome position (GRCh38, 1-based): chr11:77,172,868, G>T. VCF-style: chr11-77172868-G-T. GRCh37 (hg19) VCF-style: chr11-76883914-G-T.
Other names: c.1918G>T, p.Glu640Ter (NM_001127180.2); c.1885G>T, p.Glu629Ter (NM_001369365.1); short protein forms E640*, E629*.
Identifiers: ClinVar variation 1419865 (VCV001419865.6), dbSNP rs1555077319, ClinGen allele CA381938593.